The following is an entry in ClinVar:

ClinVar aggregate classification (germline): Pathogenic/Likely pathogenic. Review status: criteria provided, multiple submitters, no conflicts (2 of 4 stars). 2 submissions from 2 submitters: Pathogenic (1); Likely pathogenic (1). Last evaluated 2026-09-08.

Conditions:
DDX41-related hematologic malignancy predisposition syndrome. Also called: Myeloproliferative/lymphoproliferative neoplasms, familial (multiple types), susceptibility to; DDX41-Associated Familial Myelodysplastic Syndrome and Acute Myeloid Leukemia. Identifiers: Orphanet 488647, MedGen C4225174, MONDO:0014809, OMIM 616871.
Inborn genetic diseases. Identifiers: MedGen C0950123, MeSH D030342.

Submissions (2):

Ambry Genetics
Classification: Likely pathogenic for Inborn genetic diseases. Last evaluated: 2026-09-08. Review status: criteria provided, single submitter. Criteria: Ambry Variant Classification Scheme 2023. Collection method: clinical testing. Allele origin: germline.
Comment: The p.M1? variant (also known as c.2T>C) is located in coding exon 1 of the DDX41 gene and results from a T to C substitution at nucleotide position 2. This alters the methionine residue at the initiation codon (ATG). This variant is considered to be rare based on population cohorts in the Genome Aggregation Database (gnomAD). This amino acid position is highly conserved in available vertebrate species. Sequence variations that modify the initiation codon are expected to result in either loss of translation initiation, N-terminal truncation, or cause a shift in the mRNA reading frame. Based on the majority of available evidence to date, this variant is likely to be pathogenic.

Molecular Pathology, Peter Maccallum Cancer Centre
Classification: Pathogenic for DDX41-related hematologic malignancy predisposition syndrome. Last evaluated: 2025-01-08. Review status: criteria provided, single submitter. Criteria: ACMG Guidelines, 2015. Collection method: clinical testing. Allele origin: germline.

NM_016222.4(DDX41):c.2T>C (p.Met1Thr)

Gene: DDX41 (DEAD-box helicase 41; minus strand). Cytogenetic location: 5q35.3.
Variant type: single nucleotide variant.
Coding change: c.2T>C on transcript NM_016222.4 (MANE Select); coding-DNA position 2, T replaced by C.
Protein change: p.Met1Thr; changes the start codon (methionine 1).
Molecular consequence: missense variant, initiator codon variant. On other transcripts: 5 prime UTR variant (2).
Genome position (GRCh38, 1-based): chr5:177,516,944, A>G on the plus strand (T>C on the coding strand, the complement: DDX41 is on the minus strand). VCF-style: chr5-177516944-A-G. GRCh37 (hg19) VCF-style: chr5-176943945-A-G.
Other names: c.-654T>C (NM_001321732.2); c.-446T>C (NM_001321830.2); short protein forms M1T.
Identifiers: ClinVar variation 4056193 (VCV004056193.2).